The following is an entry in ClinVar:

ClinVar aggregate classification (germline): Uncertain significance (1 of 4 stars; one submission).

Conditions:
Hereditary cancer-predisposing syndrome. Also called: Hereditary neoplastic syndrome; Tumor predisposition; Hereditary Cancer Syndrome; Neoplastic Syndromes, Hereditary. Identifiers: Orphanet 140162, MedGen C0027672, MeSH D009386, MONDO:0015356.

Submission:

Ambry Genetics
Classification: Uncertain significance for Hereditary cancer-predisposing syndrome. Last evaluated: 2023-06-29. Review status: criteria provided, single submitter. Criteria: Ambry Variant Classification Scheme 2023. Collection method: clinical testing. Allele origin: germline.
Comment: The p.G705V variant (also known as c.2114G>T), located in coding exon 14 of the NBN gene, results from a G to T substitution at nucleotide position 2114. The glycine at codon 705 is replaced by valine, an amino acid with dissimilar properties. This amino acid position is conserved. In addition, this alteration is predicted to be deleterious by in silico analysis. Since supporting evidence is limited at this time, the clinical significance of this alteration remains unclear.

NM_002485.5(NBN):c.2114G>T (p.Gly705Val)

Gene: NBN (nibrin; minus strand). Cytogenetic location: 8q21.3.
Variant type: single nucleotide variant.
Coding change: c.2114G>T on transcript NM_002485.5 (MANE Select); coding-DNA position 2114, G replaced by T.
Protein change: p.Gly705Val; replaces glycine 705 with valine.
Molecular consequence: missense variant.
Genome position (GRCh38, 1-based): chr8:89,943,323, C>A on the plus strand (G>T on the coding strand, the complement: NBN is on the minus strand). VCF-style: chr8-89943323-C-A. GRCh37 (hg19) VCF-style: chr8-90955551-C-A.
Other names: c.1868G>T, p.Gly623Val (NM_001024688.3); short protein forms G705V, G623V.
Identifiers: ClinVar variation 2586806 (VCV002586806.2), dbSNP rs1810037139, ClinGen allele CA371675640.